The following is an entry in ClinVar:

NM_001012426.2(FOXP4):c.586A>C (p.Asn196His)

Gene: FOXP4 (forkhead box P4; plus strand). Cytogenetic location: 6p21.1.
Variant type: single nucleotide variant.
Coding change: c.586A>C on transcript NM_001012426.2 (MANE Select); coding-DNA position 586, A replaced by C.
Protein change: p.Asn196His; replaces asparagine 196 with histidine.
Molecular consequence: missense variant.
Genome position (GRCh38, 1-based): chr6:41,587,084, A>C. VCF-style: chr6-41587084-A-C. GRCh37 (hg19) VCF-style: chr6-41554822-A-C.
Other names: c.580A>C, p.Asn194His (NM_001012427.2); c.586A>C, p.Asn196His (NM_001405824.1, NM_138457.3); c.490A>C, p.Asn164His (NM_001405825.1, NM_001405826.1); short protein forms N164H, N194H, N196H.
Identifiers: ClinVar variation 3235853 (VCV003235853.1), dbSNP rs1447274580, ClinGen allele CA364067374.

ClinVar aggregate classification (germline): Uncertain significance (1 of 4 stars; one submission).

Submission:

Greenwood Genetic Center Diagnostic Laboratories, Greenwood Genetic Center
Classification: Uncertain significance. Last evaluated: 2024-01-25. Review status: criteria provided, single submitter. Criteria: ACMG Guidelines, 2015. Collection method: clinical testing. Allele origin: germline. Affected: yes.
Comment: PM2